The following is an entry in ClinVar:

NM_005751.5(AKAP9):c.5292G>T (p.Gln1764His)

Gene: AKAP9 (A-kinase anchoring protein 9; plus strand). Cytogenetic location: 7q21.2.
Variant type: single nucleotide variant.
Coding change: c.5292G>T on transcript NM_005751.5 (MANE Select); coding-DNA position 5292, G replaced by T.
Protein change: p.Gln1764His; replaces glutamine 1764 with histidine.
Molecular consequence: missense variant.
Genome position (GRCh38, 1-based): chr7:92,045,137, G>T. VCF-style: chr7-92045137-G-T. GRCh37 (hg19) VCF-style: chr7-91674451-G-T.
Other names: c.5292G>T, p.Gln1764His (NM_147185.3); short protein forms Q1764H.
Identifiers: ClinVar variation 3728917 (VCV003728917.2).
Genomic context (GRCh38, chr7:92,045,137, plus strand): 5'-TGTTGAAGAAACAATTGGTCGCCATGTCCTTGGGATTCTAGATAGATCTAGTAAAAGCCA[G>T]TCATCTGCCAGCCTAATTTGGAGGTCAGAAGCAGAGGCATCTGTAAAGTCATGTGTCCAT-3'
Protein context (NP_005742.4, residues 1754-1774): LGILDRSSKS[Gln1764His]SSASLIWRSE

ClinVar aggregate classification (germline): Uncertain significance (1 of 4 stars; one submission).

Conditions:
Long QT syndrome (LQTS). Identifiers: MedGen C0023976, MeSH D008133, MONDO:0002442. Disease mechanism: loss of function. Inheritance: Various modes of inheritance.

Submission:

Labcorp Genetics (formerly Invitae), Labcorp
Classification: Uncertain significance for Long QT syndrome. Last evaluated: 2025-01-13. Review status: criteria provided, single submitter. Criteria: Invitae Variant Classification Sherloc (09022015). Collection method: clinical testing. Allele origin: germline.
Comment: This sequence change replaces glutamine, which is neutral and polar, with histidine, which is basic and polar, at codon 1764 of the AKAP9 protein (p.Gln1764His). This variant is not present in population databases (gnomAD no frequency). This variant has not been reported in the literature in individuals affected with AKAP9-related conditions. An algorithm developed to predict the effect of missense changes on protein structure and function (PolyPhen-2) suggests that this variant is likely to be disruptive. In summary, the available evidence is currently insufficient to determine the role of this variant in disease. Therefore, it has been classified as a Variant of Uncertain Significance.